The following is an entry in ClinVar:

NM_000179.3(MSH6):c.2685A>G (p.Thr895=)

Gene: MSH6 (mutS homolog 6; plus strand). Cytogenetic location: 2p16.3.
Variant type: single nucleotide variant.
Coding change: c.2685A>G on transcript NM_000179.3 (MANE Select); coding-DNA position 2685, A replaced by G.
Protein change: p.Thr895=; no amino-acid change (threonine 895 retained).
Molecular consequence: synonymous variant.
Genome position (GRCh38, 1-based): chr2:47,800,668, A>G. VCF-style: chr2-47800668-A-G. GRCh37 (hg19) VCF-style: chr2-48027807-A-G.
Other names: c.2295A>G, p.Thr765= (NM_001281492.2); c.1779A>G, p.Thr593= (NM_001281493.2, NM_001281494.2).
Identifiers: ClinVar variation 491914 (VCV000491914.11), dbSNP rs749539614, ClinGen allele CA426122026.

ClinVar aggregate classification (germline): Benign/Likely benign. Review status: criteria provided, multiple submitters, no conflicts (2 of 4 stars). 4 submissions from 4 submitters: Benign (1); Likely benign (3). Last evaluated 2025-01-02.

Conditions:
Hereditary nonpolyposis colorectal neoplasms. Identifiers: MedGen C0009405, MeSH D003123.
Hereditary cancer-predisposing syndrome. Also called: Hereditary neoplastic syndrome; Tumor predisposition; Hereditary Cancer Syndrome; Neoplastic Syndromes, Hereditary. Identifiers: Orphanet 140162, MedGen C0027672, MeSH D009386, MONDO:0015356.
Lynch syndrome 5 (LYNCH5). Also called: Colorectal cancer, hereditary nonpolyposis, type 5; Hereditary non-polyposis colorectal cancer, type 5. Identifiers: Orphanet 144, MedGen C1833477, MONDO:0013710, OMIM 614350. Disease mechanism: loss of function.

Allele frequency attached by ClinVar (database versions not stated): TOPMed below 0.00001.

Submissions (4):

Myriad Genetics, Inc.
Classification: Benign for Lynch syndrome 5. Last evaluated: 2025-01-02. Review status: criteria provided, single submitter. Criteria: Myriad Autosomal Dominant, Autosomal Recessive and X-Linked Classification Criteria (2023). Collection method: clinical testing. Allele origin: unknown.
Comment: This variant is considered benign. This variant is a silent/synonymous amino acid change and it is not expected to impact splicing.

Labcorp Genetics (formerly Invitae), Labcorp
Classification: Likely benign for Hereditary nonpolyposis colorectal neoplasms. Last evaluated: 2024-01-15. Review status: criteria provided, single submitter. Criteria: Invitae Variant Classification Sherloc (09022015). Collection method: clinical testing. Allele origin: germline.

Ambry Genetics
Classification: Likely benign for Hereditary cancer-predisposing syndrome. Last evaluated: 2021-05-13. Review status: criteria provided, single submitter. Criteria: Ambry Variant Classification Scheme 2023. Collection method: clinical testing. Allele origin: germline.

Color Diagnostics, LLC DBA Color Health
Classification: Likely benign for Hereditary cancer-predisposing syndrome. Last evaluated: 2017-01-30. Review status: criteria provided, single submitter. Criteria: ACMG Guidelines, 2015. Collection method: clinical testing. Allele origin: germline.